The following is an entry in ClinVar:

NM_001042492.3(NF1):c.5791A>G (p.Ile1931Val)

Gene: NF1 (neurofibromin 1; plus strand). Cytogenetic location: 17q11.2.
Variant type: single nucleotide variant.
Coding change: c.5791A>G on transcript NM_001042492.3 (MANE Select); coding-DNA position 5791, A replaced by G.
Protein change: p.Ile1931Val; replaces isoleucine 1931 with valine.
Molecular consequence: missense variant.
Genome position (GRCh38, 1-based): chr17:31,330,477, A>G. VCF-style: chr17-31330477-A-G. GRCh37 (hg19) VCF-style: chr17-29657495-A-G.
Other names: c.5728A>G, p.Ile1910Val (NM_000267.4); short protein forms I1931V, I1910V.
Identifiers: ClinVar variation 4736828 (VCV004736828.2).

ClinVar aggregate classification (germline): Uncertain significance. Review status: criteria provided, multiple submitters, no conflicts (2 of 4 stars). 2 submissions from 2 submitters: Uncertain significance (2). Last evaluated 2026-08-20.

Conditions:
Neurofibromatosis, type 1 (NF1). Also called: VON RECKLINGHAUSEN DISEASE; Peripheral type neurofibromatosis; NEUROFIBROMATOSIS, TYPE I, SOMATIC; Neurofibromatosis, type I. Identifiers: Orphanet 636, MedGen C0027831, MONDO:0018975, OMIM 162200. Disease mechanism: loss of function.
Cardiovascular phenotype. Identifiers: MedGen CN230736.
Hereditary cancer-predisposing syndrome. Also called: Hereditary Cancer Syndrome; Hereditary neoplastic syndrome; Neoplastic Syndromes, Hereditary; Tumor predisposition. Identifiers: Orphanet 140162, MedGen C0027672, MeSH D009386, MONDO:0015356.

Submissions (2):

Ambry Genetics
Classification: Uncertain significance for Cardiovascular phenotype; Hereditary cancer-predisposing syndrome. Last evaluated: 2026-08-20. Review status: criteria provided, single submitter. Criteria: Ambry Variant Classification Scheme 2023. Collection method: clinical testing. Allele origin: germline.
Comment: The p.I1910V variant (also known as c.5728A>G), located in coding exon 38 of the NF1 gene, results from an A to G substitution at nucleotide position 5728. The isoleucine at codon 1910 is replaced by valine, an amino acid with highly similar properties. This amino acid position is highly conserved in available vertebrate species. In addition, the in silico prediction for this alteration is inconclusive. Based on the available evidence, the clinical significance of this variant remains unclear.

Labcorp Genetics (formerly Invitae), Labcorp
Classification: Uncertain significance for Neurofibromatosis, type 1. Last evaluated: 2025-10-26. Review status: criteria provided, single submitter. Criteria: Invitae Variant Classification Sherloc (09022015). Collection method: clinical testing. Allele origin: germline.
Comment: This sequence change replaces isoleucine, which is neutral and non-polar, with valine, which is neutral and non-polar, at codon 1910 of the NF1 protein (p.Ile1910Val). This variant is not present in population databases (gnomAD no frequency). This variant has not been reported in the literature in individuals affected with NF1-related conditions. Invitae Evidence Modeling of protein sequence and biophysical properties (such as structural, functional, and spatial information, amino acid conservation, physicochemical variation, residue mobility, and thermodynamic stability) indicates that this missense variant is expected to disrupt NF1 protein function with a positive predictive value of 80%. In summary, the available evidence is currently insufficient to determine the role of this variant in disease. Therefore, it has been classified as a Variant of Uncertain Significance.